The following is an entry in ClinVar:

ClinVar aggregate classification (germline): Likely benign (1 of 4 stars; one submission).

Allele frequency attached by ClinVar (database versions not stated): ESP Exome Variant Server 0.00017.
gnomAD v4.1: 271 of 1,596,552 alleles (0.017%); highest among the groups gnomAD compares: Middle Eastern, 0.017%; no homozygotes.

Submission:

CeGaT Center for Human Genetics Tuebingen
Classification: Likely benign. Last evaluated: 2023-07-01. Review status: criteria provided, single submitter. Criteria: CeGaT Center For Human Genetics Tuebingen Variant Classification Criteria Version 2. Collection method: clinical testing. Allele origin: germline. Affected: yes. Observed: 1 variant allele.
Comment: FBXO43: BP4, BP7

NM_001029860.4(FBXO43):c.1554C>G (p.Thr518=)

Gene: FBXO43 (F-box protein 43; minus strand). Cytogenetic location: 8q22.2.
Variant type: single nucleotide variant.
Coding change: c.1554C>G on transcript NM_001029860.4 (MANE Select); coding-DNA position 1554, C replaced by G.
Protein change: p.Thr518=; no amino-acid change (threonine 518 retained).
Molecular consequence: synonymous variant. On other transcripts: non-coding transcript variant (1).
Genome position (GRCh38, 1-based): chr8:100,140,700, G>C on the plus strand (C>G on the coding strand, the complement: FBXO43 is on the minus strand). VCF-style: chr8-100140700-G-C. GRCh37 (hg19) VCF-style: chr8-101152928-G-C.
Identifiers: ClinVar variation 2579053 (VCV002579053.25), dbSNP rs199780921, ClinGen allele CA4826764.